The following is an entry in ClinVar:

ClinVar aggregate classification (germline): Uncertain significance (1 of 4 stars; one submission).

Conditions:
Primary ciliary dyskinesia 23 (CILD23). Also called: CILIARY DYSKINESIA, PRIMARY, 23, WITH OR WITHOUT SITUS INVERSUS. Identifiers: Orphanet 244, MedGen C3809548, MONDO:0014193, OMIM 615451.

Allele frequency attached by ClinVar (database versions not stated): TOPMed 0.00001.
gnomAD v4.1: 4 of 1,613,652 alleles (0.00025%); highest among the groups gnomAD compares: African/African-American, 0.0027%; no homozygotes.

Submission:

Labcorp Genetics (formerly Invitae), Labcorp
Classification: Uncertain significance for Primary ciliary dyskinesia 23. Last evaluated: 2022-07-19. Review status: criteria provided, single submitter. Criteria: Invitae Variant Classification Sherloc (09022015). Collection method: clinical testing. Allele origin: germline.
Comment: This variant has not been reported in the literature in individuals affected with ARMC4-related conditions. In summary, the available evidence is currently insufficient to determine the role of this variant in disease. Therefore, it has been classified as a Variant of Uncertain Significance. Algorithms developed to predict the effect of missense changes on protein structure and function are either unavailable or do not agree on the potential impact of this missense change (SIFT: "Deleterious"; PolyPhen-2: "Possibly Damaging"; Align-GVGD: "Class C0"). ClinVar contains an entry for this variant (Variation ID: 1008240). This variant is not present in population databases (gnomAD no frequency). This sequence change replaces leucine, which is neutral and non-polar, with valine, which is neutral and non-polar, at codon 584 of the ARMC4 protein (p.Leu584Val).

NM_018076.5(ODAD2):c.1750C>G (p.Leu584Val)

Gene: ODAD2 (outer dynein arm docking complex subunit 2; minus strand). Cytogenetic location: 10p12.1.
Variant type: single nucleotide variant.
Coding change: c.1750C>G on transcript NM_018076.5 (MANE Select); coding-DNA position 1750, C replaced by G.
Protein change: p.Leu584Val; replaces leucine 584 with valine.
Molecular consequence: missense variant.
Genome position (GRCh38, 1-based): chr10:27,940,799, G>C on the plus strand (C>G on the coding strand, the complement: ODAD2 is on the minus strand). VCF-style: chr10-27940799-G-C. GRCh37 (hg19) VCF-style: chr10-28229728-G-C.
Other names: c.1750C>G, p.Leu584Val (NM_001290020.2); c.325C>G, p.Leu109Val (NM_001290021.2); c.826C>G, p.Leu276Val (NM_001312689.2); short protein forms L109V, L276V, L584V.
Identifiers: ClinVar variation 1008240 (VCV001008240.8), dbSNP rs558576572, ClinGen allele CA204517123.